The following is an entry in ClinVar:

NM_000264.5(PTCH1):c.3630G>T (p.Pro1210=)

Gene: PTCH1 (patched 1; minus strand). Cytogenetic location: 9q22.32.
Variant type: single nucleotide variant.
Coding change: c.3630G>T on transcript NM_000264.5 (MANE Select); coding-DNA position 3630, G replaced by T.
Protein change: p.Pro1210=; no amino-acid change (proline 1210 retained).
Molecular consequence: synonymous variant. On other transcripts: non-coding transcript variant (1).
Genome position (GRCh38, 1-based): chr9:95,449,243, C>A on the plus strand (G>T on the coding strand, the complement: PTCH1 is on the minus strand). VCF-style: chr9-95449243-C-A. GRCh37 (hg19) VCF-style: chr9-98211525-C-A.
Other names: c.3432G>T, p.Pro1144= (NM_001083602.3); c.3627G>T, p.Pro1209= (NM_001083603.3); c.3177G>T, p.Pro1059= (NM_001083604.3, NM_001083605.3, NM_001083606.3 and 1 more transcripts); c.3474G>T, p.Pro1158= (NM_001354918.2).
Identifiers: ClinVar variation 766467 (VCV000766467.22), dbSNP rs926583525, ClinGen allele CA466351751.

ClinVar aggregate classification (germline): Likely benign. Review status: criteria provided, multiple submitters, no conflicts (2 of 4 stars). 3 submissions from 3 submitters: Likely benign (3). Last evaluated 2025-05-01.

Conditions:
Hereditary cancer-predisposing syndrome. Also called: Hereditary Cancer Syndrome; Tumor predisposition; Hereditary neoplastic syndrome; Neoplastic Syndromes, Hereditary. Identifiers: Orphanet 140162, MedGen C0027672, MeSH D009386, MONDO:0015356.
Gorlin syndrome. Also called: Nevoid Basal Cell Carcinoma Syndrome; Basal cell nevus syndrome. Identifiers: Orphanet 377, MedGen C0004779, MONDO:0007187.

gnomAD v4.1: 1 of 1,581,154 alleles (0.000063%); highest among the groups gnomAD compares: Admixed American, 0.0019%; no homozygotes.

Submissions (3):

CeGaT Center for Human Genetics Tuebingen
Classification: Likely benign. Last evaluated: 2025-05-01. Review status: criteria provided, single submitter. Criteria: CeGaT Center For Human Genetics Tuebingen Variant Classification Criteria Version 2. Collection method: clinical testing. Allele origin: germline. Affected: yes. Observed: 1 variant allele.
Comment: PTCH1: BP4, BP7

Labcorp Genetics (formerly Invitae), Labcorp
Classification: Likely benign for Gorlin syndrome. Last evaluated: 2024-11-27. Review status: criteria provided, single submitter. Criteria: Invitae Variant Classification Sherloc (09022015). Collection method: clinical testing. Allele origin: germline.

Ambry Genetics
Classification: Likely benign for Hereditary cancer-predisposing syndrome. Last evaluated: 2019-11-11. Review status: criteria provided, single submitter. Criteria: Ambry Variant Classification Scheme 2023. Collection method: clinical testing. Allele origin: germline.